The following is an entry in ClinVar:

NM_004304.5(ALK):c.980C>A (p.Ala327Asp)

Gene: ALK (ALK receptor tyrosine kinase; minus strand). Cytogenetic location: 2p23.2.
Variant type: single nucleotide variant.
Coding change: c.980C>A on transcript NM_004304.5 (MANE Select); coding-DNA position 980, C replaced by A.
Protein change: p.Ala327Asp; replaces alanine 327 with aspartic acid.
Molecular consequence: missense variant.
Genome position (GRCh38, 1-based): chr2:29,532,089, G>T on the plus strand (C>A on the coding strand, the complement: ALK is on the minus strand). VCF-style: chr2-29532089-G-T. GRCh37 (hg19) VCF-style: chr2-29754955-G-T.
Other names: short protein forms A327D.
Identifiers: ClinVar variation 582548 (VCV000582548.14), dbSNP rs1414553731, ClinGen allele CA346587536.

ClinVar aggregate classification (germline): Uncertain significance. Review status: criteria provided, multiple submitters, no conflicts (2 of 4 stars). 2 submissions from 2 submitters: Uncertain significance (2). Last evaluated 2026-01-05.

Conditions:
Neuroblastoma, susceptibility to, 3. Also called: ALK-Related Neuroblastic Tumor Susceptibility. Identifiers: Orphanet 635, MedGen C2751681, MONDO:0013083, OMIM 613014.
Hereditary cancer-predisposing syndrome. Also called: Neoplastic Syndromes, Hereditary; Hereditary Cancer Syndrome; Tumor predisposition; Hereditary neoplastic syndrome. Identifiers: Orphanet 140162, MedGen C0027672, MeSH D009386, MONDO:0015356.

Allele frequency attached by ClinVar (database versions not stated): gnomAD exomes below 0.00001; gnomAD 0.00001; TOPMed 0.00003.
gnomAD v4.1: 3 of 1,613,972 alleles (0.00019%); highest among the groups gnomAD compares: African/African-American, 0.0027%; no homozygotes.

Submissions (2):

Labcorp Genetics (formerly Invitae), Labcorp
Classification: Uncertain significance for Neuroblastoma, susceptibility to, 3. Last evaluated: 2026-01-05. Review status: criteria provided, single submitter. Criteria: Invitae Variant Classification Sherloc (09022015). Collection method: clinical testing. Allele origin: germline.
Comment: This sequence change replaces alanine, which is neutral and non-polar, with aspartic acid, which is acidic and polar, at codon 327 of the ALK protein (p.Ala327Asp). This variant is present in population databases (no rsID available, gnomAD 0.008%). This variant has not been reported in the literature in individuals affected with ALK-related conditions. ClinVar contains an entry for this variant (Variation ID: 582548). An algorithm developed to predict the effect of missense changes on protein structure and function (PolyPhen-2) suggests that this variant is likely to be tolerated. In summary, the available evidence is currently insufficient to determine the role of this variant in disease. Therefore, it has been classified as a Variant of Uncertain Significance.

Ambry Genetics
Classification: Uncertain significance for Hereditary cancer-predisposing syndrome. Last evaluated: 2025-01-31. Review status: criteria provided, single submitter. Criteria: Ambry Variant Classification Scheme 2023. Collection method: clinical testing. Allele origin: germline.
Comment: The p.A327D variant (also known as c.980C>A), located in coding exon 4 of the ALK gene, results from a C to A substitution at nucleotide position 980. The alanine at codon 327 is replaced by aspartic acid, an amino acid with dissimilar properties. This amino acid position is conserved. In addition, this alteration is predicted to be tolerated by in silico analysis. Since supporting evidence is limited at this time, the clinical significance of this alteration remains unclear.